The following is an entry in ClinVar:

NM_001348323.3(TRIP12):c.522_524dup (p.Ala175_His176insAla)

Gene: TRIP12 (thyroid hormone receptor interactor 12; minus strand). Cytogenetic location: 2q36.3.
Variant type: Duplication.
Coding change: c.522_524dup on transcript NM_001348323.3 (MANE Select); coding-DNA positions 522 to 524, 3 bases duplicated (GGC; older notation c.522_524dupGGC).
Protein change: p.Ala175_His176insAla.
Molecular consequence: intron variant (on NM_001284216.2).
Genome position (GRCh38, 1-based): chr2:229,859,275-229,859,277, GCC duplicated on the plus strand (GGC on the coding strand, the reverse complement: TRIP12 is on the minus strand). VCF-style (leftmost placement, unchanged base first): chr2-229859274-A-AGCC. GRCh37 (hg19) VCF-style: chr2-230723990-A-AGCC.
Other names: c.522_524dupGGC (NM_001284214.1); c.522_524dup, p.Ala175_His176insAla (NM_001284214.2, NM_001348315.2, NM_001348319.1 and 15 more transcripts); c.396_398dup, p.Ala133_His134insAla (NM_001284215.2, NM_001348316.2, NM_001348317.1 and 3 more transcripts); c.98+20705_98+20707dup (NM_001284216.2).
Identifiers: ClinVar variation 4960443 (VCV004960443.2).

ClinVar aggregate classification (germline): Uncertain significance. Review status: criteria provided, multiple submitters, no conflicts (2 of 4 stars). 2 submissions from 2 submitters: Uncertain significance (2). Last evaluated 2025-02-17.

Conditions:
TRIP12-related disorder. Also called: TRIP12-related condition.

Submissions (2):

PreventionGenetics, part of Exact Sciences
Classification: Uncertain significance for TRIP12-related condition. Last evaluated: 2025-02-17. Review status: criteria provided, single submitter. Criteria: ACMG Guidelines, 2015. Collection method: clinical testing. Allele origin: germline.
Comment: The TRIP12 c.522_524dupGGC variant is predicted to result in an in-frame duplication (p.Ala175dup). To our knowledge, this variant has not been reported in the literature. This variant is reported in 0.00088% of alleles in individuals of European (Non-Finnish) descent in gnomAD. At this time, the clinical significance of this variant is uncertain due to the absence of conclusive functional and genetic evidence.

Blueprint Genetics
Classification: Uncertain significance. Last evaluated: 2023-02-10. Review status: criteria provided, single submitter. Criteria: ACMG Guidelines, 2015. Collection method: clinical testing. Allele origin: germline.